The following is an entry in ClinVar:

ClinVar aggregate classification (germline): Uncertain significance. Review status: criteria provided, multiple submitters, no conflicts (2 of 4 stars). 3 submissions from 3 submitters: Uncertain significance (3). Last evaluated 2025-10-08.

Conditions:
Hereditary nonpolyposis colorectal neoplasms. Identifiers: MedGen C0009405, MeSH D003123.
Hereditary cancer-predisposing syndrome. Also called: Neoplastic Syndromes, Hereditary; Hereditary Cancer Syndrome; Hereditary neoplastic syndrome; Tumor predisposition. Identifiers: Orphanet 140162, MedGen C0027672, MeSH D009386, MONDO:0015356.
Lynch syndrome 4 (LYNCH4). Also called: Colorectal cancer, hereditary nonpolyposis, type 4; Hereditary non-polyposis colorectal cancer, type 4. Identifiers: Orphanet 144, MedGen C1838333, MONDO:0013699, OMIM 614337. Disease mechanism: loss of function.

Allele frequency attached by ClinVar (database versions not stated): gnomAD exomes below 0.00001.
gnomAD v4.1: 1 of 1,614,146 alleles (0.000062%); highest among the groups gnomAD compares: Non-Finnish European, 0.000085%; no homozygotes.

Submissions (3):

Ambry Genetics
Classification: Uncertain significance for Hereditary cancer-predisposing syndrome. Last evaluated: 2025-10-08. Review status: criteria provided, single submitter. Criteria: Ambry Variant Classification Scheme 2023. Collection method: clinical testing. Allele origin: germline.
Comment: The p.K224R variant (also known as c.671A>G), located in coding exon 6 of the PMS2 gene, results from an A to G substitution at nucleotide position 671. The lysine at codon 224 is replaced by arginine, an amino acid with highly similar properties. This amino acid position is conserved. In addition, this alteration is predicted to be tolerated by in silico analysis. Based on the available evidence, the clinical significance of this variant remains unclear.

Baylor Genetics
Classification: Uncertain significance for Lynch syndrome 4. Last evaluated: 2024-01-30. Review status: criteria provided, single submitter. Criteria: ACMG Guidelines, 2015. Collection method: clinical testing. Allele origin: unknown.

Labcorp Genetics (formerly Invitae), Labcorp
Classification: Uncertain significance for Hereditary nonpolyposis colorectal neoplasms. Last evaluated: 2023-03-11. Review status: criteria provided, single submitter. Criteria: Invitae Variant Classification Sherloc (09022015). Collection method: clinical testing. Allele origin: germline.
Comment: In summary, the available evidence is currently insufficient to determine the role of this variant in disease. Therefore, it has been classified as a Variant of Uncertain Significance. Algorithms developed to predict the effect of sequence changes on RNA splicing suggest that this variant may disrupt the consensus splice site. Advanced modeling of protein sequence and biophysical properties (such as structural, functional, and spatial information, amino acid conservation, physicochemical variation, residue mobility, and thermodynamic stability) performed at Invitae indicates that this missense variant is not expected to disrupt PMS2 protein function. This variant has not been reported in the literature in individuals affected with PMS2-related conditions. This variant is not present in population databases (gnomAD no frequency). This sequence change replaces lysine, which is basic and polar, with arginine, which is basic and polar, at codon 224 of the PMS2 protein (p.Lys224Arg).

NM_000535.7(PMS2):c.671A>G (p.Lys224Arg)

Gene: PMS2 (PMS1 homolog 2, mismatch repair system component; minus strand). Cytogenetic location: 7p22.1.
Variant type: single nucleotide variant.
Coding change: c.671A>G on transcript NM_000535.7 (MANE Select); coding-DNA position 671, A replaced by G.
Protein change: p.Lys224Arg; replaces lysine 224 with arginine.
Molecular consequence: missense variant. On other transcripts: 5 prime UTR variant (2), non-coding transcript variant (1), intron variant (9).
Genome position (GRCh38, 1-based): chr7:5,999,142, T>C on the plus strand (A>G on the coding strand, the complement: PMS2 is on the minus strand). VCF-style: chr7-5999142-T-C. GRCh37 (hg19) VCF-style: chr7-6038773-T-C.
Other names: c.266A>G, p.Lys89Arg (NM_001018040.1, NM_001322003.2, NM_001322004.2 and 20 more transcripts); c.671A>G, p.Lys224Arg (NM_001322006.2, NM_001322014.2, NM_001406870.1 and 4 more transcripts); c.353A>G, p.Lys118Arg (NM_001322007.2, NM_001322008.2, NM_001406876.1 and 4 more transcripts); c.-263A>G (NM_001322011.2, NM_001322012.2); c.362A>G, p.Lys121Arg (NM_001322015.2, NM_001406875.1, NM_001406877.1 and 6 more transcripts); c.857A>G, p.Lys286Arg (NM_001406866.1); c.695A>G, p.Lys232Arg (NM_001406868.1); c.335A>G, p.Lys112Arg (NM_001406885.1); and 6 more; short protein forms K121R, K224R, K89R, K286R, K118R, K232R, K112R.
Identifiers: ClinVar variation 2874085 (VCV002874085.5), dbSNP rs2128799743, ClinGen allele CA366743878.